The following is an entry in ClinVar:

ClinVar aggregate classification (germline): Uncertain significance (1 of 4 stars; one submission).

Submission:

GeneDx
Classification: Uncertain significance. Last evaluated: 2025-05-30. Review status: criteria provided, single submitter. Criteria: GeneDx Variant Classification Process June 2021. Collection method: clinical testing. Allele origin: germline. Affected: yes.
Comment: Not observed at significant frequency in large population cohorts (gnomAD); In silico analysis supports that this missense variant has a deleterious effect on protein structure/function; Has not been previously published as pathogenic or benign to our knowledge

NM_001009944.3(PKD1):c.3536A>T (p.His1179Leu)

Gene: PKD1 (polycystin 1, transient receptor potential channel interacting; minus strand). Cytogenetic location: 16p13.3.
Variant type: single nucleotide variant.
Coding change: c.3536A>T on transcript NM_001009944.3 (MANE Select); coding-DNA position 3536, A replaced by T.
Protein change: p.His1179Leu; replaces histidine 1179 with leucine.
Molecular consequence: missense variant.
Genome position (GRCh38, 1-based): chr16:2,111,631, T>A on the plus strand (A>T on the coding strand, the complement: PKD1 is on the minus strand). VCF-style: chr16-2111631-T-A. GRCh37 (hg19) VCF-style: chr16-2161632-T-A.
Other names: c.3536A>T, p.His1179Leu (NM_000296.4); short protein forms H1179L.
Identifiers: ClinVar variation 4532706 (VCV004532706.1).